The following is an entry in ClinVar:

ClinVar aggregate classification (germline): Conflicting classifications of pathogenicity. Review status: criteria provided, conflicting classifications (1 of 4 stars). 4 submissions from 4 submitters: Uncertain significance (3); Likely benign (1). Last evaluated 2026-01-28.

Conditions:
Inborn genetic diseases. Identifiers: MedGen C0950123, MeSH D030342.

Allele frequency attached by ClinVar (database versions not stated): 1000 Genomes Project 30x 0.00078; TOPMed 0.00087; ESP Exome Variant Server 0.00062; ExAC 0.00067; gnomAD exomes 0.00069; gnomAD 0.00072; 1000 Genomes Project 0.00080.
gnomAD v4.1: 1,700 of 1,613,884 alleles (0.11%); highest among the groups gnomAD compares: Non-Finnish European, 0.12%; no homozygotes.

Submissions (4):

Labcorp Genetics (formerly Invitae), Labcorp
Classification: Likely benign. Last evaluated: 2026-01-28. Review status: criteria provided, single submitter. Criteria: Invitae Variant Classification Sherloc (09022015). Collection method: clinical testing. Allele origin: germline.

Dasa
Classification: Uncertain significance. Last evaluated: 2025-01-16. Review status: criteria provided, single submitter. Criteria: DASA Assertion Criteria. Collection method: clinical testing. Allele origin: germline.
Comment: NM_000844.4(GRM7):c.569G>A (p.Arg190Gln) is a missense variant that results in the substitution of arginine with glutamine. This variant is rare in population databases. Computational prediction algorithms are consistent with a benign effect. The currently available literature and clinical evidence are not sufficient to establish a definitive association between this variant and the reported condition. Therefore, this variant is classified as a variant of uncertain significance.

GeneDx
Classification: Uncertain significance. Last evaluated: 2022-02-14. Review status: criteria provided, single submitter. Criteria: GeneDx Variant Classification Process June 2021. Collection method: clinical testing. Allele origin: germline. Affected: yes.
Comment: In silico analysis supports that this missense variant does not alter protein structure/function; Has not been previously published as pathogenic or benign to our knowledge

Ambry Genetics
Classification: Uncertain significance for Inborn genetic diseases. Last evaluated: 2021-07-09. Review status: criteria provided, single submitter. Criteria: Ambry Variant Classification Scheme 2023. Collection method: clinical testing. Allele origin: germline.

NM_000844.4(GRM7):c.569G>A (p.Arg190Gln)

Gene: GRM7 (glutamate metabotropic receptor 7; plus strand). Cytogenetic location: 3p26.1.
Variant type: single nucleotide variant.
Coding change: c.569G>A on transcript NM_000844.4 (MANE Select); coding-DNA position 569, G replaced by A.
Protein change: p.Arg190Gln; replaces arginine 190 with glutamine.
Molecular consequence: missense variant.
Genome position (GRCh38, 1-based): chr3:7,146,501, G>A. VCF-style: chr3-7146501-G-A. GRCh37 (hg19) VCF-style: chr3-7188188-G-A.
Other names: c.569G>A, p.Arg190Gln (NM_181874.3); short protein forms R190Q.
Identifiers: ClinVar variation 1590868 (VCV001590868.12), dbSNP rs144324520, ClinGen allele CA2234631.